The following is an entry in ClinVar:

ClinVar aggregate classification (germline): Uncertain significance (1 of 4 stars; one submission).

Conditions:
Cardiovascular phenotype. Identifiers: MedGen CN230736.
Hereditary cancer-predisposing syndrome. Also called: Neoplastic Syndromes, Hereditary; Tumor predisposition; Hereditary neoplastic syndrome; Hereditary Cancer Syndrome. Identifiers: Orphanet 140162, MedGen C0027672, MeSH D009386, MONDO:0015356.

gnomAD v4.1: 2 of 1,613,996 alleles (0.00012%); highest among the groups gnomAD compares: Non-Finnish European, 0.00017%; no homozygotes.

Submission:

Ambry Genetics
Classification: Uncertain significance for Cardiovascular phenotype; Hereditary cancer-predisposing syndrome. Last evaluated: 2026-09-09. Review status: criteria provided, single submitter. Criteria: Ambry Variant Classification Scheme 2023. Collection method: clinical testing. Allele origin: germline.
Comment: The p.I1497S variant (also known as c.4490T>G), located in coding exon 33 of the NF1 gene, results from a T to G substitution at nucleotide position 4490. The isoleucine at codon 1497 is replaced by serine, an amino acid with dissimilar properties. This amino acid position is conserved. In addition, this alteration is predicted to be deleterious by in silico analysis. Based on the available evidence, the clinical significance of this variant remains unclear.

NM_001042492.3(NF1):c.4553T>G (p.Ile1518Ser)

Gene: NF1 (neurofibromin 1; plus strand). Cytogenetic location: 17q11.2.
Variant type: single nucleotide variant.
Coding change: c.4553T>G on transcript NM_001042492.3 (MANE Select); coding-DNA position 4553, T replaced by G.
Protein change: p.Ile1518Ser; replaces isoleucine 1518 with serine.
Molecular consequence: missense variant.
Genome position (GRCh38, 1-based): chr17:31,260,491, T>G. VCF-style: chr17-31260491-T-G. GRCh37 (hg19) VCF-style: chr17-29587509-T-G.
Other names: c.4490T>G, p.Ile1497Ser (NM_000267.4); short protein forms I1497S, I1518S.
Identifiers: ClinVar variation 5025661 (VCV005025661.1).